The following is an entry in ClinVar:

NM_001378609.3(OTOGL):c.2165C>A (p.Ala722Asp)

Gene: OTOGL (otogelin like; plus strand). Cytogenetic location: 12q21.31.
Variant type: single nucleotide variant.
Coding change: c.2165C>A on transcript NM_001378609.3 (MANE Select); coding-DNA position 2165, C replaced by A.
Protein change: p.Ala722Asp; replaces alanine 722 with aspartic acid.
Molecular consequence: missense variant.
Genome position (GRCh38, 1-based): chr12:80,265,151, C>A. VCF-style: chr12-80265151-C-A. GRCh37 (hg19) VCF-style: chr12-80658931-C-A.
Other names: c.2165C>A, p.Ala722Asp (NM_001368062.3, NM_001378610.3, NM_173591.7); short protein forms A713D, A722D.
Identifiers: ClinVar variation 505212 (VCV000505212.5), dbSNP rs769499824, ClinGen allele CA6700685.

ClinVar aggregate classification (germline): Uncertain significance (1 of 4 stars; one submission).

Allele frequency attached by ClinVar (database versions not stated): ExAC 0.00001; gnomAD exomes 0.00001 and 0.00002; TOPMed below 0.00001.
gnomAD v4.1: 7 of 1,613,862 alleles (0.00043%); highest among the groups gnomAD compares: Non-Finnish European, 0.00059%; no homozygotes.

Submission:

Laboratory for Molecular Medicine, Mass General Brigham Personalized Medicine
Classification: Uncertain significance. Last evaluated: 2016-07-14. Review status: criteria provided, single submitter. Criteria: LMM Criteria. Collection method: clinical testing. Allele origin: germline. Observed: 1 variant allele.
Comment: The p.Ala713Asp variant in OTOGL has not been previously reported in individuals with hearing loss. This variant has been identified in 1/66580 European chromos omes by the Exome Aggregation Consortium (ExAC; dbSNP rs769499824). Although this variant has been seen in the general populatio n, its frequency is not high enough to rule out a pathogenic role. Computational prediction tools and conservation analyses do not provide strong support for or against an impact to the protein. In summary, the clinical significance of the p.Ala713Asp variant is uncertain.